The following is an entry in ClinVar:

NM_005529.7(HSPG2):c.2520C>T (p.Asp840=)

Gene: HSPG2 (heparan sulfate proteoglycan 2; minus strand). Cytogenetic location: 1p36.12.
Variant type: single nucleotide variant.
Coding change: c.2520C>T on transcript NM_005529.7 (MANE Select); coding-DNA position 2520, C replaced by T.
Protein change: p.Asp840=; no amino-acid change (aspartic acid 840 retained).
Molecular consequence: synonymous variant.
Genome position (GRCh38, 1-based): chr1:21,878,615, G>A on the plus strand (C>T on the coding strand, the complement: HSPG2 is on the minus strand). VCF-style: chr1-21878615-G-A. GRCh37 (hg19) VCF-style: chr1-22205108-G-A.
Other names: c.2523C>T, p.Asp841= (NM_001291860.2).
Identifiers: ClinVar variation 811415 (VCV000811415.16), dbSNP rs544565016, ClinGen allele CA673018.

ClinVar aggregate classification (germline): Conflicting classifications of pathogenicity. Review status: criteria provided, conflicting classifications (1 of 4 stars). 3 submissions from 3 submitters: Uncertain significance (1); Benign (1); Likely benign (1). Last evaluated 2022-02-25.

Allele frequency attached by ClinVar (database versions not stated): TOPMed 0.00002; gnomAD 0.00003 and 0.00004; gnomAD exomes 0.00006 and 0.00008; ExAC 0.00007; 1000 Genomes Project 30x 0.00031; 1000 Genomes Project 0.00040.
gnomAD v4.1: 116 of 1,614,118 alleles (0.0072%); highest among the groups gnomAD compares: Non-Finnish European, 0.009%; no homozygotes.

Submissions (3):

GeneDx
Classification: Uncertain significance. Last evaluated: 2022-02-25. Review status: criteria provided, single submitter. Criteria: GeneDx Variant Classification Process June 2021. Collection method: clinical testing. Allele origin: germline. Affected: yes.
Comment: Has not been previously published as pathogenic or benign to our knowledge; In-silico analysis is inconclusive as to whether the variant alters gene splicing. In the absence of RNA/functional studies, the actual effect of this sequence change is unknown.

Labcorp Genetics (formerly Invitae), Labcorp
Classification: Likely benign. Last evaluated: 2021-11-04. Review status: criteria provided, single submitter. Criteria: Invitae Variant Classification Sherloc (09022015). Collection method: clinical testing. Allele origin: germline.

ARUP Laboratories, Molecular Genetics and Genomics, ARUP Laboratories
Classification: Benign. Last evaluated: 2019-05-03. Review status: criteria provided, single submitter. Criteria: ARUP Molecular Germline Variant Investigation Process. Collection method: clinical testing. Allele origin: germline.